The following is an entry in ClinVar:

NM_004991.4(MECOM):c.1684G>A (p.Glu562Lys)

Gene: MECOM (MDS1 and EVI1 complex locus; minus strand). Cytogenetic location: 3q26.2.
Variant type: single nucleotide variant.
Coding change: c.1684G>A on transcript NM_004991.4 (MANE Select); coding-DNA position 1684, G replaced by A.
Protein change: p.Glu562Lys; replaces glutamic acid 562 with lysine.
Molecular consequence: missense variant. On other transcripts: intron variant (2).
Genome position (GRCh38, 1-based): chr3:169,116,188, C>T on the plus strand (G>A on the coding strand, the complement: MECOM is on the minus strand). VCF-style: chr3-169116188-C-T. GRCh37 (hg19) VCF-style: chr3-168833976-C-T.
Other names: c.1315G>A, p.Glu439Lys (NM_001105077.4); c.1120G>A, p.Glu374Lys (NM_001105078.4, NM_001164000.2, NM_001205194.2 and 4 more transcripts); c.1123G>A, p.Glu375Lys (NM_001163999.2, NM_001366467.2, NM_001366468.2 and 1 more transcripts); c.1684G>A, p.Glu562Lys (NM_001366466.2); c.1133-421G>A (NM_001366473.2); c.569-421G>A (NM_001366474.2); short protein forms E375K, E374K, E439K, E562K.
Identifiers: ClinVar variation 2400555 (VCV002400555.4), dbSNP rs149928659, ClinGen allele CA2696300.

ClinVar aggregate classification (germline): Uncertain significance. Review status: criteria provided, multiple submitters, no conflicts (2 of 4 stars). 3 submissions from 3 submitters: Uncertain significance (3). Last evaluated 2025-10-28.

Conditions:
MECOM-related disorder. Also called: MECOM-related condition.
Inborn genetic diseases. Identifiers: MedGen C0950123, MeSH D030342.

Allele frequency attached by ClinVar (database versions not stated): TOPMed 0.00001; gnomAD 0.00003; ExAC 0.00005; 1000 Genomes Project 30x 0.00031; 1000 Genomes Project 0.00040.
gnomAD v4.1: 19 of 1,614,170 alleles (0.0012%); highest among the groups gnomAD compares: East Asian, 0.013%; no homozygotes.

Submissions (3):

Women's Health and Genetics/Laboratory Corporation of America, LabCorp
Classification: Uncertain significance. Last evaluated: 2025-10-28. Review status: criteria provided, single submitter. Criteria: LabCorp Variant Classification Summary - May 2015. Collection method: clinical testing. Allele origin: germline.
Comment: Variant summary: MECOM c.1120G>A (p.Glu374Lys) results in a conservative amino acid change in the encoded protein sequence. Algorithms developed to predict the effect of missense changes on protein structure and function are either unavailable or do not agree on the potential impact of this missense change. The variant allele was found at a frequency of 5.2e-05 in 250760 control chromosomes, predominantly at a frequency of 0.00027 within the East Asian subpopulation in the gnomAD database. The available data on variant occurrences in the general population are insufficient to allow any conclusion about variant significance. To our knowledge, no occurrence of c.1120G>A in individuals affected with MECOM-related conditions and no experimental evidence demonstrating its impact on protein function have been reported. ClinVar contains an entry for this variant (Variation ID: 2400555). Based on the evidence outlined above, the variant was classified as uncertain significance.

Ambry Genetics
Classification: Uncertain significance for Inborn genetic diseases. Last evaluated: 2023-11-28. Review status: criteria provided, single submitter. Criteria: Ambry Variant Classification Scheme 2023. Collection method: clinical testing. Allele origin: germline.

PreventionGenetics, part of Exact Sciences
Classification: Uncertain significance for MECOM-related condition. Last evaluated: 2022-12-21. Review status: criteria provided, single submitter. Criteria: ACMG Guidelines, 2015. Collection method: clinical testing. Allele origin: germline.
Comment: The MECOM c.1684G>A variant is predicted to result in the amino acid substitution p.Glu562Lys. To our knowledge, this variant has not been reported in the literature. This variant is reported in 0.025% of alleles in individuals of East Asian descent in gnomAD. At this time, the clinical significance of this variant is uncertain due to the absence of conclusive functional and genetic evidence.